The following is an entry in ClinVar:

NM_003072.5(SMARCA4):c.2681C>T (p.Thr894Met)

Gene: SMARCA4 (SWI/SNF related BAF chromatin remodeling complex subunit ATPase 4; plus strand). Cytogenetic location: 19p13.2.
Variant type: single nucleotide variant.
Coding change: c.2681C>T on transcript NM_003072.5 (MANE Select); coding-DNA position 2681, C replaced by T.
Protein change: p.Thr894Met; replaces threonine 894 with methionine.
Molecular consequence: missense variant. On other transcripts: non-coding transcript variant (1).
Genome position (GRCh38, 1-based): chr19:11,021,789, C>T. VCF-style: chr19-11021789-C-T. GRCh37 (hg19) VCF-style: chr19-11132465-C-T.
Other names: c.2681C>T, p.Thr894Met (NM_001128844.3, NM_001128845.2, NM_001128846.2 and 4 more transcripts); short protein forms T894M.
Identifiers: ClinVar variation 985527 (VCV000985527.5), dbSNP rs2089893983, ClinGen allele CA404055976.

ClinVar aggregate classification (germline): Likely pathogenic. Review status: criteria provided, single submitter (1 of 4 stars). 2 submissions from 2 submitters: Likely pathogenic (1). 1 of the submissions does not count toward it. Last evaluated 2018-06-21.
ClinVar aggregate classification (somatic clinical impact): Tier I - Strong (1 of 4 stars; one submission).

Conditions:
SMARCA4-related disorder. Also called: SMARCA4-related condition.
Inborn genetic diseases. Identifiers: MedGen C0950123, MeSH D030342.
Medulloblastoma WNT activated. Identifiers: MedGen C4331965, MONDO:0850196.

Submissions (3):

Institute for Genomic Medicine (IGM) Clinical Laboratory, Nationwide Children's Hospital
Classification: Tier I - Strong for Medulloblastoma WNT activated. Assertion type: diagnostic. Clinical significance: supports diagnosis. Last evaluated: 2024-01-17. Review status: criteria provided, single submitter. Criteria: AMP/ASCO/CAP Guidelines, 2017. Collection method: clinical testing. Allele origin: somatic. Affected: yes.
Comment: Variant has Tier I (strong) clinical significance as a diagnostic inclusion criterion in medulloblastoma WNT activated, based on the following evidence: 1) Documented in one or more cancer databases (e.g., St. Jude Pecan, COSMIC, CIViC, OncoKB). 2) Appears in one or more well-established professional guidelines (e.g., World Health Organization [WHO]; National Comprehensive Cancer Network [NCCN]) as providing diagnostic, prognostic, or therapeutic information. 3) Diagnostic for a specific tumor type/classification based on well-powered studies with expert-level consensus (Evidence Level B; PMIDs: 22722829, 22820256, 22832583, 23432644, 21163964, 28726821).

Ambry Genetics
Classification: Likely pathogenic for Inborn genetic diseases. Last evaluated: 2018-06-21. Review status: criteria provided, single submitter. Criteria: Ambry exome assertion method (8-5-2015). Collection method: clinical testing. Allele origin: germline. Affected: yes. Observed: 1 variant allele.

PreventionGenetics, part of Exact Sciences
Classification: Likely pathogenic for SMARCA4-related condition. Last evaluated: 2024-05-09. Review status: no assertion criteria provided. Collection method: clinical testing. Allele origin: germline. Not counted in ClinVar's aggregate classification.
Comment: The SMARCA4 c.2681C>T variant is predicted to result in the amino acid substitution p.Thr894Met. This variant was reported de novo in individuals with Coffin-Siris syndrome or neurodevelopmental disorder (Monies et al. 2017. PubMed ID: 28600779; Li et al. 2020. PubMed ID: 32686290; van der Sluijs et al. 2022. PubMed ID: 35579625; Lelieveld et al. 2016. PubMed ID: 27479843; Zhang et al. 2021. PubMed ID: 33860439). This variant has not been reported in a large population database, indicating this variant is rare. This variant is interpreted as likely pathogenic.

Literature cited by the submitters: PubMed 22722829 (cited by Institute for Genomic Medicine (IGM) Clinical Laboratory, Nationwide Children's Hospital); PubMed 22820256 (cited by Institute for Genomic Medicine (IGM) Clinical Laboratory, Nationwide Children's Hospital); PubMed 22832583 (cited by Institute for Genomic Medicine (IGM) Clinical Laboratory, Nationwide Children's Hospital); PubMed 23432644 (cited by Institute for Genomic Medicine (IGM) Clinical Laboratory, Nationwide Children's Hospital); PubMed 21163964 (cited by Institute for Genomic Medicine (IGM) Clinical Laboratory, Nationwide Children's Hospital); PubMed 28726821 (cited by Institute for Genomic Medicine (IGM) Clinical Laboratory, Nationwide Children's Hospital); PubMed 27479843 (cited by Ambry Genetics).